The following is an entry in ClinVar:

NM_001363.5(DKC1):c.1293_1295del (p.Val432del)

Gene: DKC1 (dyskerin pseudouridine synthase 1; plus strand). Cytogenetic location: Xq28.
Variant type: Deletion.
Coding change: c.1293_1295del on transcript NM_001363.5 (MANE Select); coding-DNA positions 1293 to 1295, 3 bases deleted (GGT; older notation c.1293_1295delGGT).
Protein change: p.Val432del; deletes valine 432.
Molecular consequence: inframe deletion. On other transcripts: 3 prime UTR variant (1), non-coding transcript variant (3).
Genome position (GRCh38, 1-based): chrX:154,775,228-154,775,230, GGT deleted; deleting any 3 consecutive bases within chrX:154,775,226-154,775,230 gives the same sequence; the c. name uses the placement nearest the transcript's 3' end. VCF-style (leftmost placement, unchanged base first): chrX-154775225-AGTG-A. GRCh37 (hg19) VCF-style: chrX-154003500-AGTG-A.
Other names: c.1278_1280del, p.Val427del (NM_001142463.3); c.*519_*521del (NM_001288747.2); short protein forms V427del, V432del.
Identifiers: ClinVar variation 2030858 (VCV002030858.4), dbSNP rs2523706078, ClinGen allele CA2580101865.

ClinVar aggregate classification (germline): Uncertain significance (1 of 4 stars; one submission).

Conditions:
Dyskeratosis congenita. Identifiers: Orphanet 1775, MedGen C0265965, MONDO:0015780.

Submission:

Labcorp Genetics (formerly Invitae), Labcorp
Classification: Uncertain significance for Dyskeratosis congenita. Last evaluated: 2023-08-05. Review status: criteria provided, single submitter. Criteria: Invitae Variant Classification Sherloc (09022015). Collection method: clinical testing. Allele origin: germline.
Comment: In summary, the available evidence is currently insufficient to determine the role of this variant in disease. Therefore, it has been classified as a Variant of Uncertain Significance. Experimental studies and prediction algorithms are not available or were not evaluated, and the functional significance of this variant is currently unknown. This variant, c.1293_1295del, results in the deletion of 1 amino acid(s) of the DKC1 protein (p.Val432del), but otherwise preserves the integrity of the reading frame. This variant is not present in population databases (gnomAD no frequency). This variant has not been reported in the literature in individuals affected with DKC1-related conditions. ClinVar contains an entry for this variant (Variation ID: 2030858).